The following is an entry in ClinVar:

NM_000543.5(SMPD1):c.812C>T (p.Pro271Leu)

Gene: SMPD1 (sphingomyelin phosphodiesterase 1; plus strand). Cytogenetic location: 11p15.4.
Variant type: single nucleotide variant.
Coding change: c.812C>T on transcript NM_000543.5 (MANE Select); coding-DNA position 812, C replaced by T.
Protein change: p.Pro271Leu; replaces proline 271 with leucine.
Molecular consequence: missense variant. On other transcripts: 5 prime UTR variant (1), non-coding transcript variant (1).
Genome position (GRCh38, 1-based): chr11:6,391,877, C>T. VCF-style: chr11-6391877-C-T. GRCh37 (hg19) VCF-style: chr11-6413107-C-T.
Other names: c.809C>T, p.Pro270Leu (NM_001007593.3); c.812C>T, p.Pro271Leu (NM_001318087.2, NM_001365135.2); c.-150C>T (NM_001318088.2); short protein forms P271L, P270L.
Identifiers: ClinVar variation 4170682 (VCV004170682.1).

ClinVar aggregate classification (germline): Uncertain significance (1 of 4 stars; one submission).

Conditions:
Inborn genetic diseases. Identifiers: MedGen C0950123, MeSH D030342.

gnomAD v4.1: 2 of 1,614,164 alleles (0.00012%); highest among the groups gnomAD compares: African/African-American, 0.0027%; no homozygotes.

Submission:

Ambry Genetics
Classification: Uncertain significance for Inborn genetic diseases. Last evaluated: 2025-07-13. Review status: criteria provided, single submitter. Criteria: Ambry Variant Classification Scheme 2023. Collection method: clinical testing. Allele origin: germline.
Comment: The p.P271L variant (also known as c.812C>T), located in coding exon 2 of the SMPD1 gene, results from a C to T substitution at nucleotide position 812. The proline at codon 271 is replaced by leucine, an amino acid with similar properties. This amino acid position is conserved. In addition, this alteration is predicted to be deleterious by in silico analysis. Based on the available evidence, the clinical significance of this variant remains unclear.